The following is an entry in ClinVar:

ClinVar aggregate classification (germline): Uncertain significance. Review status: criteria provided, multiple submitters, no conflicts (2 of 4 stars). 3 submissions from 3 submitters: Uncertain significance (3). Last evaluated 2025-01-01.

Conditions:
Retinitis Pigmentosa, Recessive.

Allele frequency attached by ClinVar (database versions not stated): gnomAD 0.00009 and 0.00007; TOPMed 0.00008.
gnomAD v4.1: 55 of 827,202 alleles (0.0066%); highest among the groups gnomAD compares: Admixed American, 0.056%; no homozygotes.

Submissions (3):

CeGaT Center for Human Genetics Tuebingen
Classification: Uncertain significance. Last evaluated: 2025-01-01. Review status: criteria provided, single submitter. Criteria: CeGaT Center For Human Genetics Tuebingen Variant Classification Criteria Version 2. Collection method: clinical testing. Allele origin: germline. Affected: yes. Observed: 1 variant allele.
Comment: RDH12: PM3:Strong, PM2, BP2

Women's Health and Genetics/Laboratory Corporation of America, LabCorp
Classification: Uncertain significance. Last evaluated: 2024-05-30. Review status: criteria provided, single submitter. Criteria: LabCorp Variant Classification Summary - May 2015. Collection method: clinical testing. Allele origin: germline.
Comment: Variant summary: RDH12 c.-123C>T is located in the untranslated mRNA region upstream of the initiation codon. The variant allele was found at a frequency of 6.6e-05 in 827202 control chromosomes. This frequency is not significantly higher than estimated for a pathogenic variant in RDH12 causing Leber Congenital Amaurosis (6.6e-05 vs 0.0016), allowing no conclusion about variant significance. c.-123C>T has been reported in the literature in homoyzgous or compound heterozygous individuals affected with Leber Congenital Amaurosis (Daich Varela_2024, Duenas Rey_2024). However, the variant is frequently found in cis with c.701G>A (p.Arg234His) (Variation ID: 313842). These report(s) do not provide unequivocal conclusions about association of the variant with Leber Congenital Amaurosis. At least one publication reports experimental evidence evaluating an impact on protein function. Using a dual luciferase assay in ARPE-19 cells, the variant was shown to impact protein translation (Duenas Rey_2024). The following publications have been ascertained in the context of this evaluation (PMID: 37714431, 38184646). ClinVar contains an entry for this variant (Variation ID: 884100). Based on the evidence outlined above, the variant was classified as uncertain significance.

Illumina Laboratory Services, Illumina
Classification: Uncertain significance for Retinitis Pigmentosa, Recessive. Last evaluated: 2017-04-28. Review status: criteria provided, single submitter. Criteria: ICSL Variant Classification Criteria 13 December 2019. Collection method: clinical testing. Allele origin: germline.

Literature cited by the submitters: PubMed 37714431 (cited by Women's Health and Genetics/Laboratory Corporation of America, LabCorp); PubMed 38184646 (cited by Women's Health and Genetics/Laboratory Corporation of America, LabCorp).

NM_152443.3(RDH12):c.-123C>T

Genes: GPHN (gephyrin; plus strand), RDH12 (retinol dehydrogenase 12; plus strand). Cytogenetic location: 14q24.1.
Variant type: single nucleotide variant.
Coding change: c.-123C>T on transcript NM_152443.3 (MANE Select); 123 bases upstream of the start codon, C replaced by T.
Molecular consequence: 5 prime UTR variant.
Genome position (GRCh38, 1-based): chr14:67,722,520, C>T. VCF-style: chr14-67722520-C-T. GRCh37 (hg19) VCF-style: chr14-68189237-C-T.
Identifiers: ClinVar variation 884100 (VCV000884100.18), dbSNP rs960563752, ClinGen allele CA262808001.